The following is an entry in ClinVar:

ClinVar aggregate classification (germline): Uncertain significance (1 of 4 stars; one submission).

Conditions:
Inborn genetic diseases. Identifiers: MedGen C0950123, MeSH D030342.

gnomAD v4.1: 2 of 1,613,116 alleles (0.00012%); highest among the groups gnomAD compares: Non-Finnish European, 0.00017%; no homozygotes.

Submission:

Ambry Genetics
Classification: Uncertain significance for Inborn genetic diseases. Last evaluated: 2025-01-01. Review status: criteria provided, single submitter. Criteria: Ambry Variant Classification Scheme 2023. Collection method: clinical testing. Allele origin: germline.
Comment: The p.P253A variant (also known as c.757C>G), located in coding exon 5 of the ELANE gene, results from a C to G substitution at nucleotide position 757. The proline at codon 253 is replaced by alanine, an amino acid with highly similar properties. This amino acid position is conserved. In addition, this alteration is predicted to be tolerated by in silico analysis. Based on the available evidence, the clinical significance of this variant remains unclear.

NM_001972.4(ELANE):c.757C>G (p.Pro253Ala)

Gene: ELANE (elastase, neutrophil expressed; plus strand). Cytogenetic location: 19p13.3.
Variant type: single nucleotide variant.
Coding change: c.757C>G on transcript NM_001972.4 (MANE Select); coding-DNA position 757, C replaced by G.
Protein change: p.Pro253Ala; replaces proline 253 with alanine.
Molecular consequence: missense variant.
Genome position (GRCh38, 1-based): chr19:856,117, C>G. VCF-style: chr19-856117-C-G. GRCh37 (hg19) VCF-style: chr19-856117-C-G.
Other names: short protein forms P253A.
Identifiers: ClinVar variation 3844285 (VCV003844285.1).